The following is an entry in ClinVar:

ClinVar aggregate classification (germline): Likely pathogenic (1 of 4 stars; one submission).

Submission:

Dasa
Classification: Likely pathogenic. Last evaluated: 2026-01-01. Review status: criteria provided, single submitter. Criteria: DASA Assertion Criteria. Collection method: clinical testing. Allele origin: germline.
Comment: NM_001378183.1(PIEZO2):c.1844C>A (p.Ser615*) is a nonsense variant in PIEZO2 predicted to introduce a premature termination codon and is predicted to result in an absent or altered protein product. Loss of function is an established disease mechanism for PIEZO2-associated disorders. Also, this variant is rare in population databases. Based on the currently available evidence, this variant is classified as likely pathogenic.

NM_001378183.1(PIEZO2):c.1844C>A (p.Ser615Ter)

Gene: PIEZO2 (piezo type mechanosensitive ion channel component 2; minus strand). Cytogenetic location: 18p11.22.
Variant type: single nucleotide variant.
Coding change: c.1844C>A on transcript NM_001378183.1 (MANE Select); coding-DNA position 1844, C replaced by A.
Protein change: p.Ser615Ter; replaces serine 615 with a stop codon.
Molecular consequence: nonsense.
Genome position (GRCh38, 1-based): chr18:10,791,239, G>T on the plus strand (C>A on the coding strand, the complement: PIEZO2 is on the minus strand). VCF-style: chr18-10791239-G-T. GRCh37 (hg19) VCF-style: chr18-10791237-G-T.
Other names: c.1844C>A, p.Ser615Ter (NM_001410871.1, NM_022068.4); short protein forms S615*.
Identifiers: ClinVar variation 4886408 (VCV004886408.2).